The following is an entry in ClinVar:

ClinVar aggregate classification (germline): Likely benign (1 of 4 stars; one submission).

Conditions:
SEMA3C-related disorder. Also called: SEMA3C-related condition.

gnomAD v4.1: 7 of 1,613,900 alleles (0.00043%); highest among the groups gnomAD compares: African/African-American, 0.008%; no homozygotes.

Submission:

PreventionGenetics, part of Exact Sciences
Classification: Likely benign for SEMA3C-related condition. Last evaluated: 2026-07-31. Review status: criteria provided, single submitter. Criteria: ACMG Guidelines, 2015. Collection method: clinical testing. Allele origin: germline.
Comment: This variant is classified as likely benign based on ACMG/AMP sequence variant interpretation guidelines (Richards et al. 2015 PMID: 25741868, with internal and published modifications).

NM_006379.5(SEMA3C):c.1179C>T (p.Phe393=)

Gene: SEMA3C (semaphorin 3C; minus strand). Cytogenetic location: 7q21.11.
Variant type: single nucleotide variant.
Coding change: c.1179C>T on transcript NM_006379.5 (MANE Select); coding-DNA position 1179, C replaced by T.
Protein change: p.Phe393=; no amino-acid change (phenylalanine 393 retained).
Molecular consequence: synonymous variant.
Genome position (GRCh38, 1-based): chr7:80,789,481, G>A on the plus strand (C>T on the coding strand, the complement: SEMA3C is on the minus strand). VCF-style: chr7-80789481-G-A. GRCh37 (hg19) VCF-style: chr7-80418797-G-A.
Other names: c.1233C>T, p.Phe411= (NM_001350120.2); c.1005C>T, p.Phe335= (NM_001350121.2).
Identifiers: ClinVar variation 4979650 (VCV004979650.1).